The following is an entry in ClinVar:

NM_001009944.3(PKD1):c.206C>T (p.Ala69Val)

Gene: PKD1 (polycystin 1, transient receptor potential channel interacting; minus strand). Cytogenetic location: 16p13.3.
Variant type: single nucleotide variant.
Coding change: c.206C>T on transcript NM_001009944.3 (MANE Select); coding-DNA position 206, C replaced by T.
Protein change: p.Ala69Val; replaces alanine 69 with valine.
Molecular consequence: missense variant.
Genome position (GRCh38, 1-based): chr16:2,135,484, G>A on the plus strand (C>T on the coding strand, the complement: PKD1 is on the minus strand). VCF-style: chr16-2135484-G-A. GRCh37 (hg19) VCF-style: chr16-2185485-G-A.
Other names: c.206C>T, p.Ala69Val (NM_000296.4); short protein forms A69V.
Identifiers: ClinVar variation 1048902 (VCV001048902.1), dbSNP rs2151858171, ClinGen allele CA394282155.

ClinVar aggregate classification (germline): Uncertain significance (0 of 4 stars; one submission).

Submission:

Department of Pathology and Laboratory Medicine, Sinai Health System
Classification: Uncertain significance. Review status: no assertion criteria provided. Collection method: clinical testing. Allele origin: unknown. Affected: yes. Study: The Canadian Open Genetics Repository (COGR).
Comment: The PKD1 p.Ala69Val variant was not identified in the literature nor was it identified in dbSNP, ClinVar, LOVD 3.0, ADPKD Mutation Database or PKD1-LOVD. The variant was not identified in the following control databases: the 1000 Genomes Project, the NHLBI GO Exome Sequencing Project, the Exome Aggregation Consortium (August 8th 2016), or the Genome Aggregation Database (Feb 27, 2017). The variant occurs outside of the splicing consensus sequence and in silico or computational prediction software programs (SpliceSiteFinder, MaxEntScan, NNSPLICE, GeneSplicer) do not predict a difference in splicing. The p.Ala69 residue is conserved in in mammals but not in more distantly related organisms however computational analyses (SIFT, AlignGVGD, BLOSUM, MutationTaster) do not suggest a high likelihood of impact to the protein; this information is not predictive enough to rule out pathogenicity. In summary, based on the above information the clinical significance of this variant cannot be determined with certainty at this time. This variant is classified as a variant of uncertain significance. This variant was not verified clinically and we cannot rule out the possibility this variant may have occurred in a pseudogene of PKD1.